The following is an entry in ClinVar:

NM_001365276.2(TNXB):c.7507G>A (p.Val2503Met)

Gene: TNXB (tenascin XB; minus strand). Cytogenetic location: 6p21.33.
Variant type: single nucleotide variant.
Coding change: c.7507G>A on transcript NM_001365276.2 (MANE Select); coding-DNA position 7507, G replaced by A.
Protein change: p.Val2503Met; replaces valine 2503 with methionine.
Molecular consequence: missense variant.
Genome position (GRCh38, 1-based): chr6:32,058,376, C>T on the plus strand (G>A on the coding strand, the complement: TNXB is on the minus strand). VCF-style: chr6-32058376-C-T. GRCh37 (hg19) VCF-style: chr6-32026153-C-T.
Other names: c.7507G>A, p.Val2503Met (NM_019105.8); short protein forms V2503M.
Identifiers: ClinVar variation 1309108 (VCV001309108.2), dbSNP rs2151904095, ClinGen allele CA363551745.

ClinVar aggregate classification (germline): Uncertain significance (1 of 4 stars; one submission).

Submission:

GeneDx
Classification: Uncertain significance. Last evaluated: 2019-10-07. Review status: criteria provided, single submitter. Criteria: GeneDx Variant Classification Process June 2021. Collection method: clinical testing. Allele origin: germline. Affected: yes.
Comment: Has not been previously published as pathogenic or benign to our knowledge; Not observed in large population cohorts (Lek et al., 2016); In silico analysis, which includes protein predictors and evolutionary conservation, supports that this variant does not alter protein structure/function